The following is an entry in ClinVar:

NM_001378687.1(ATP2C1):c.151G>T (p.Val51Phe)

Gene: ATP2C1 (ATPase secretory pathway Ca2+ transporting 1; plus strand). Cytogenetic location: 3q22.1.
Variant type: single nucleotide variant.
Coding change: c.151G>T on transcript NM_001378687.1 (MANE Select); coding-DNA position 151, G replaced by T.
Protein change: p.Val51Phe; replaces valine 51 with phenylalanine.
Molecular consequence: missense variant. On other transcripts: intron variant (1).
Genome position (GRCh38, 1-based): chr3:130,932,055, G>T. VCF-style: chr3-130932055-G-T. GRCh37 (hg19) VCF-style: chr3-130650899-G-T.
Other names: c.151G>T, p.Val51Phe (NM_001001485.3, NM_001001486.2, NM_001001487.2 and 5 more transcripts); c.253G>T, p.Val85Phe (NM_001199180.2, NM_001199181.3, NM_001378511.1); c.103G>T, p.Val35Phe (NM_001199183.2, NM_001199184.3, NM_001378514.1); c.219+1529G>T (NM_001199182.2); short protein forms V35F, V51F, V85F.
Identifiers: ClinVar variation 3900328 (VCV003900328.1).

ClinVar aggregate classification (germline): Uncertain significance (1 of 4 stars; one submission).

Submission:

GeneDx
Classification: Uncertain significance. Last evaluated: 2024-11-20. Review status: criteria provided, single submitter. Criteria: GeneDx Variant Classification Process June 2021. Collection method: clinical testing. Allele origin: germline. Affected: yes.
Comment: Reported in one proband from a large cohort of patients with developmental disorders (PMID: 33057194); In silico analysis supports that this missense variant has a deleterious effect on protein structure/function; Missense variants in this gene are a common cause of disease and they are underrepresented in the general population; Not observed at significant frequency in large population cohorts (gnomAD); In silico analysis suggests this variant may impact gene splicing. In the absence of RNA/functional studies, the actual effect of this sequence change is unknown.; This variant is associated with the following publications: (PMID: 35982159, 33057194)